The following is an entry in ClinVar:

ClinVar aggregate classification (germline): Uncertain significance (1 of 4 stars; one submission).

Conditions:
Inborn genetic diseases. Identifiers: MedGen C0950123, MeSH D030342.

Submission:

Ambry Genetics
Classification: Uncertain significance for Inborn genetic diseases. Last evaluated: 2025-01-25. Review status: criteria provided, single submitter. Criteria: Ambry Variant Classification Scheme 2023. Collection method: clinical testing. Allele origin: germline.
Comment: The p.K383N variant (also known as c.1149A>C), located in coding exon 1 of the SAMD9 gene, results from an A to C substitution at nucleotide position 1149. The lysine at codon 383 is replaced by asparagine, an amino acid with similar properties. This amino acid position is conserved. In addition, this alteration is predicted to be tolerated by in silico analysis. Based on the available evidence, the clinical significance of this variant remains unclear.

NM_017654.4(SAMD9):c.1149A>C (p.Lys383Asn)

Gene: SAMD9 (sterile alpha motif domain containing 9; minus strand). Cytogenetic location: 7q21.2.
Variant type: single nucleotide variant.
Coding change: c.1149A>C on transcript NM_017654.4 (MANE Select); coding-DNA position 1149, A replaced by C.
Protein change: p.Lys383Asn; replaces lysine 383 with asparagine.
Molecular consequence: missense variant.
Genome position (GRCh38, 1-based): chr7:93,104,949, T>G on the plus strand (A>C on the coding strand, the complement: SAMD9 is on the minus strand). VCF-style: chr7-93104949-T-G. GRCh37 (hg19) VCF-style: chr7-92734262-T-G.
Other names: c.1149A>C, p.Lys383Asn (NM_001193307.2); short protein forms K383N.
Identifiers: ClinVar variation 3792023 (VCV003792023.1).